The following is an entry in ClinVar:

ClinVar aggregate classification (germline): Uncertain significance. Review status: criteria provided, multiple submitters, no conflicts (2 of 4 stars). 3 submissions from 3 submitters: Uncertain significance (3). Last evaluated 2026-06-04.

Conditions:
Cardiovascular phenotype. Identifiers: MedGen CN230736.
CBL-related disorder. Also called: NOONAN SYNDROME-LIKE DISORDER WITHOUT JUVENILE MYELOMONOCYTIC LEUKEMIA; CBL MUTATION-ASSOCIATED SYNDROME; CBL SYNDROME. Identifiers: Orphanet 363972, MedGen C3150803, MONDO:0013308, OMIM 613563.
RASopathy. Also called: rasopathies; Noonan spectrum disorder. Identifiers: Orphanet 536391, MedGen C5555857, MONDO:0021060.

Allele frequency attached by ClinVar (database versions not stated): gnomAD 0.00001; TOPMed 0.00001; gnomAD exomes 0.00001 and below 0.00001; ExAC 0.00001.

Submissions (3):

Ambry Genetics
Classification: Uncertain significance for Cardiovascular phenotype. Last evaluated: 2026-06-04. Review status: criteria provided, single submitter. Criteria: Ambry Variant Classification Scheme 2023. Collection method: clinical testing. Allele origin: germline.
Comment: The c.1277C>T (p.T426I) alteration is located in exon 9 (coding exon 9) of the CBL gene. This alteration results from a C to T substitution at nucleotide position 1277, causing the threonine (T) at amino acid position 426 to be replaced by an isoleucine (I). Based on data from gnomAD, the T allele has an overall frequency of 0.001% (2/251426) total alleles studied. The highest observed frequency was 0.002% (2/113708) of European (non-Finnish) alleles. Based on insufficient or conflicting evidence, the clinical significance of this alteration remains unclear.

Labcorp Genetics (formerly Invitae), Labcorp
Classification: Uncertain significance for RASopathy. Last evaluated: 2025-09-23. Review status: criteria provided, single submitter. Criteria: Invitae Variant Classification Sherloc (09022015). Collection method: clinical testing. Allele origin: germline.
Comment: This sequence change replaces threonine, which is neutral and polar, with isoleucine, which is neutral and non-polar, at codon 426 of the CBL protein (p.Thr426Ile). This variant is present in population databases (rs769547118, gnomAD 0.002%). This variant has not been reported in the literature in individuals affected with CBL-related conditions. ClinVar contains an entry for this variant (Variation ID: 543992). Invitae Evidence Modeling of protein sequence and biophysical properties (such as structural, functional, and spatial information, amino acid conservation, physicochemical variation, residue mobility, and thermodynamic stability) indicates that this missense variant is not expected to disrupt CBL protein function with a negative predictive value of 95%. In summary, the available evidence is currently insufficient to determine the role of this variant in disease. Therefore, it has been classified as a Variant of Uncertain Significance.

PreventionGenetics, part of Exact Sciences
Classification: Uncertain significance for CBL-related condition. Last evaluated: 2022-09-02. Review status: criteria provided, single submitter. Criteria: ACMG Guidelines, 2015. Collection method: clinical testing. Allele origin: germline.
Comment: The CBL c.1277C>T variant is predicted to result in the amino acid substitution p.Thr426Ile. To our knowledge, this variant has not been reported in the literature. This variant is reported in 0.0018% of alleles in individuals of European (Non-Finnish) descent in gnomAD. At this time, the clinical significance of this variant is uncertain due to the absence of conclusive functional and genetic evidence.

NM_005188.4(CBL):c.1277C>T (p.Thr426Ile)

Gene: CBL (Cbl proto-oncogene; plus strand). Cytogenetic location: 11q23.3.
Variant type: single nucleotide variant.
Coding change: c.1277C>T on transcript NM_005188.4 (MANE Select); coding-DNA position 1277, C replaced by T.
Protein change: p.Thr426Ile; replaces threonine 426 with isoleucine.
Molecular consequence: missense variant.
Genome position (GRCh38, 1-based): chr11:119,278,559, C>T. VCF-style: chr11-119278559-C-T. GRCh37 (hg19) VCF-style: chr11-119149269-C-T.
Other names: c.1277C>T (NM_005188.2); short protein forms T426I.
Identifiers: ClinVar variation 543992 (VCV000543992.10), dbSNP rs769547118, ClinGen allele CA6318487.
Genomic context (GRCh38, chr11:119,278,559, plus strand): 5'-TTCTTCTGCAGGAATCAGAAGGTCAGGGCTGTCCTTTCTGCCGATGTGAAATTAAAGGTA[C>T]TGAACCCATCGTGGTAGATCCGTTTGATCCTAGAGGGAGTGGCAGCCTGTTGAGGCAAGG-3'
Protein context (NP_005179.2, residues 416-436): CPFCRCEIKG[Thr426Ile]EPIVVDPFDP